The following is an entry in ClinVar:

ClinVar aggregate classification (germline): Conflicting classifications of pathogenicity. Review status: criteria provided, conflicting classifications (1 of 4 stars). 4 submissions from 4 submitters: Uncertain significance (2); Likely benign (2). Last evaluated 2024-11-13.

Conditions:
Inborn genetic diseases. Identifiers: MedGen C0950123, MeSH D030342.
Cornelia de Lange syndrome 4 (CDLS4). Also called: RAD21-Related Cornelia de Lange Syndrome; CORNELIA DE LANGE SYNDROME 4 WITH OR WITHOUT MIDLINE BRAIN DEFECTS. Identifiers: Orphanet 199, MedGen C3553517, MONDO:0013864, OMIM 614701.

Allele frequency attached by ClinVar (database versions not stated): ExAC 0.00002; gnomAD 0.00002; gnomAD exomes 0.00002; TOPMed 0.00003; ESP Exome Variant Server 0.00008.
gnomAD v4.1: 29 of 1,612,046 alleles (0.0018%); highest among the groups gnomAD compares: Middle Eastern, 0.033%; no homozygotes.

Submissions (4):

Ambry Genetics
Classification: Likely benign for Inborn genetic diseases. Last evaluated: 2024-11-13. Review status: criteria provided, single submitter. Criteria: Ambry Variant Classification Scheme 2023. Collection method: clinical testing. Allele origin: germline.

Labcorp Genetics (formerly Invitae), Labcorp
Classification: Uncertain significance for Cornelia de Lange syndrome 4. Last evaluated: 2023-11-04. Review status: criteria provided, single submitter. Criteria: Invitae Variant Classification Sherloc (09022015). Collection method: clinical testing. Allele origin: germline.
Comment: This sequence change replaces valine, which is neutral and non-polar, with alanine, which is neutral and non-polar, at codon 455 of the RAD21 protein (p.Val455Ala). This variant is present in population databases (rs373625369, gnomAD 0.004%). This variant has not been reported in the literature in individuals affected with RAD21-related conditions. ClinVar contains an entry for this variant (Variation ID: 1428062). Advanced modeling of protein sequence and biophysical properties (such as structural, functional, and spatial information, amino acid conservation, physicochemical variation, residue mobility, and thermodynamic stability) performed at Invitae indicates that this missense variant is not expected to disrupt RAD21 protein function with a negative predictive value of 80%. In summary, the available evidence is currently insufficient to determine the role of this variant in disease. Therefore, it has been classified as a Variant of Uncertain Significance.

GeneDx
Classification: Uncertain significance. Last evaluated: 2022-11-16. Review status: criteria provided, single submitter. Criteria: GeneDx Variant Classification Process June 2021. Collection method: clinical testing. Allele origin: germline. Affected: yes.
Comment: In silico analysis supports that this missense variant does not alter protein structure/function; Has not been previously published as pathogenic or benign to our knowledge

Blueprint Genetics
Classification: Likely benign. Last evaluated: 2022-10-18. Review status: criteria provided, single submitter. Criteria: ACMG Guidelines, 2015. Collection method: clinical testing. Allele origin: germline.

NM_006265.3(RAD21):c.1364T>C (p.Val455Ala)

Gene: RAD21 (RAD21 cohesin complex component; minus strand). Cytogenetic location: 8q24.11.
Variant type: single nucleotide variant.
Coding change: c.1364T>C on transcript NM_006265.3 (MANE Select); coding-DNA position 1364, T replaced by C.
Protein change: p.Val455Ala; replaces valine 455 with alanine.
Molecular consequence: missense variant.
Genome position (GRCh38, 1-based): chr8:116,852,054, A>G on the plus strand (T>C on the coding strand, the complement: RAD21 is on the minus strand). VCF-style: chr8-116852054-A-G. GRCh37 (hg19) VCF-style: chr8-117864293-A-G.
Other names: c.1364T>C (NM_006265.2); short protein forms V455A.
Identifiers: ClinVar variation 1428062 (VCV001428062.10), dbSNP rs373625369, ClinGen allele CA4852833.
Genomic context (GRCh38, chr8:116,852,054, plus strand): 5'-CCCTGAGGTGGTGGTGGAGGCATAGCTGACTCATCTATGTTTGTTCTGCTGGCCTCCATC[A>G]CTGACTCCTGGAGGCGGCTTGGCTCTTCAATAATGGGCTCATCTGCAATTGGTCATATGA-3'
Protein context (NP_006256.1, residues 445-465): IEEPSRLQES[Val455Ala]MEASRTNIDE